The following is an entry in ClinVar:

ClinVar aggregate classification (germline): Uncertain significance (1 of 4 stars; one submission).

Allele frequency attached by ClinVar (database versions not stated): gnomAD 0.00001; TOPMed 0.00001.
gnomAD v4.1: 47 of 1,567,814 alleles (0.003%); highest among the groups gnomAD compares: South Asian, 0.0047%; no homozygotes.

Submission:

GeneDx
Classification: Uncertain significance. Last evaluated: 2025-08-17. Review status: criteria provided, single submitter. Criteria: GeneDx Variant Classification Process June 2021. Collection method: clinical testing. Allele origin: germline. Affected: yes.
Comment: Not observed at significant frequency in large population cohorts (gnomAD); In silico analysis suggests that this missense variant does not alter protein structure/function; Has not been previously published as pathogenic or benign to our knowledge

NM_020442.6(VARS2):c.911G>A (p.Arg304Gln)

Gene: VARS2 (valyl-tRNA synthetase 2, mitochondrial; plus strand). Cytogenetic location: 6p21.33.
Variant type: single nucleotide variant.
Coding change: c.911G>A on transcript NM_020442.6 (MANE Select); coding-DNA position 911, G replaced by A.
Protein change: p.Arg304Gln; replaces arginine 304 with glutamine.
Molecular consequence: missense variant.
Genome position (GRCh38, 1-based): chr6:30,917,732, G>A. VCF-style: chr6-30917732-G-A. GRCh37 (hg19) VCF-style: chr6-30885509-G-A.
Other names: c.491G>A, p.Arg164Gln (NM_001167733.3); c.1001G>A, p.Arg334Gln (NM_001167734.2); short protein forms R304Q, R334Q, R164Q.
Identifiers: ClinVar variation 432513 (VCV000432513.3), dbSNP rs1312924156, ClinGen allele CA363169760.